The following is an entry in ClinVar:

NM_014425.5(INVS):c.625C>T (p.Pro209Ser)

Gene: INVS (inversin; plus strand). Cytogenetic location: 9q31.1.
Variant type: single nucleotide variant.
Coding change: c.625C>T on transcript NM_014425.5 (MANE Select); coding-DNA position 625, C replaced by T.
Protein change: p.Pro209Ser; replaces proline 209 with serine.
Molecular consequence: missense variant. On other transcripts: 5 prime UTR variant (1), non-coding transcript variant (1).
Genome position (GRCh38, 1-based): chr9:100,240,069, C>T. VCF-style: chr9-100240069-C-T. GRCh37 (hg19) VCF-style: chr9-103002351-C-T.
Other names: c.337C>T, p.Pro113Ser (NM_001318381.2); c.-365C>T (NM_001318382.2); short protein forms P113S, P209S.
Identifiers: ClinVar variation 1435322 (VCV001435322.3), dbSNP rs144729900, ClinGen allele CA5158210.

ClinVar aggregate classification (germline): Uncertain significance (1 of 4 stars; one submission).

Conditions:
Nephronophthisis. Also called: Juvenile Nephronophthisis. Identifiers: Orphanet 655, MedGen C0687120, MONDO:0019005, HP:0000090.

Allele frequency attached by ClinVar (database versions not stated): ExAC 0.00001; gnomAD 0.00001; gnomAD exomes 0.00001; TOPMed 0.00002; ESP Exome Variant Server 0.00008.

Submission:

Labcorp Genetics (formerly Invitae), Labcorp
Classification: Uncertain significance for Nephronophthisis. Last evaluated: 2022-10-25. Review status: criteria provided, single submitter. Criteria: Invitae Variant Classification Sherloc (09022015). Collection method: clinical testing. Allele origin: germline.
Comment: This sequence change replaces proline, which is neutral and non-polar, with serine, which is neutral and polar, at codon 209 of the INVS protein (p.Pro209Ser). This variant is present in population databases (rs144729900, gnomAD 0.02%). This variant has not been reported in the literature in individuals affected with INVS-related conditions. ClinVar contains an entry for this variant (Variation ID: 1435322). Algorithms developed to predict the effect of missense changes on protein structure and function (SIFT, PolyPhen-2, Align-GVGD) all suggest that this variant is likely to be disruptive. In summary, the available evidence is currently insufficient to determine the role of this variant in disease. Therefore, it has been classified as a Variant of Uncertain Significance.